The following is an entry in ClinVar:

ClinVar aggregate classification (germline): Uncertain significance (1 of 4 stars; one submission).

Conditions:
Andersen Tawil syndrome (LQT7). Also called: ANDERSEN CARDIODYSRHYTHMIC PERIODIC PARALYSIS; PERIODIC PARALYSIS, POTASSIUM-SENSITIVE CARDIODYSRHYTHMIC TYPE; LONG QT SYNDROME 7; Potassium-sensitive periodic paralysis, ventricular ectopy, and dysmorphic features; Andersen Syndrome. Identifiers: Orphanet 37553, MedGen C1563715, MONDO:0008222, OMIM 170390.
Short QT syndrome type 3. Identifiers: Orphanet 51083, MedGen C1865018, MONDO:0012314, OMIM 609622.

Submission:

Labcorp Genetics (formerly Invitae), Labcorp
Classification: Uncertain significance for Short QT syndrome type 3; Andersen Tawil syndrome. Last evaluated: 2025-04-17. Review status: criteria provided, single submitter. Criteria: Invitae Variant Classification Sherloc (09022015). Collection method: clinical testing. Allele origin: germline.
Comment: This sequence change replaces glutamine, which is neutral and polar, with arginine, which is basic and polar, at codon 310 of the KCNJ2 protein (p.Gln310Arg). This variant is not present in population databases (gnomAD no frequency). This variant has not been reported in the literature in individuals affected with KCNJ2-related conditions. ClinVar contains an entry for this variant (Variation ID: 663978). Invitae Evidence Modeling of protein sequence and biophysical properties (such as structural, functional, and spatial information, amino acid conservation, physicochemical variation, residue mobility, and thermodynamic stability) indicates that this missense variant is expected to disrupt KCNJ2 protein function with a positive predictive value of 95%. In summary, the available evidence is currently insufficient to determine the role of this variant in disease. Therefore, it has been classified as a Variant of Uncertain Significance.

NM_000891.3(KCNJ2):c.929A>G (p.Gln310Arg)

Gene: KCNJ2 (potassium inwardly rectifying channel subfamily J member 2; plus strand). Cytogenetic location: 17q24.3.
Variant type: single nucleotide variant.
Coding change: c.929A>G on transcript NM_000891.3 (MANE Select); coding-DNA position 929, A replaced by G.
Protein change: p.Gln310Arg; replaces glutamine 310 with arginine.
Molecular consequence: missense variant.
Genome position (GRCh38, 1-based): chr17:70,175,968, A>G. VCF-style: chr17-70175968-A-G. GRCh37 (hg19) VCF-style: chr17-68172109-A-G.
Other names: short protein forms Q310R.
Identifiers: ClinVar variation 663978 (VCV000663978.8), dbSNP rs1598211487, ClinGen allele CA400862711.